The following is an entry in ClinVar:

ClinVar aggregate classification (germline): Uncertain significance (1 of 4 stars; one submission).

gnomAD v4.1: 13 of 1,614,076 alleles (0.00081%); highest among the groups gnomAD compares: Non-Finnish European, 0.0011%; no homozygotes.

Submission:

GeneDx
Classification: Uncertain significance. Last evaluated: 2024-05-15. Review status: criteria provided, single submitter. Criteria: GeneDx Variant Classification Process June 2021. Collection method: clinical testing. Allele origin: germline. Affected: yes.
Comment: Not observed at significant frequency in large population cohorts (gnomAD); In silico analysis supports that this missense variant has a deleterious effect on protein structure/function; Has not been previously published as pathogenic or benign to our knowledge

NM_014865.4(NCAPD2):c.2599T>C (p.Phe867Leu)

Gene: NCAPD2 (non-SMC condensin I complex subunit D2; plus strand). Cytogenetic location: 12p13.31.
Variant type: single nucleotide variant.
Coding change: c.2599T>C on transcript NM_014865.4 (MANE Select); coding-DNA position 2599, T replaced by C.
Protein change: p.Phe867Leu; replaces phenylalanine 867 with leucine.
Molecular consequence: missense variant.
Genome position (GRCh38, 1-based): chr12:6,526,480, T>C. VCF-style: chr12-6526480-T-C. GRCh37 (hg19) VCF-style: chr12-6635646-T-C.
Other names: short protein forms F867L.
Identifiers: ClinVar variation 3377887 (VCV003377887.1).